The following is an entry in ClinVar:

ClinVar aggregate classification (germline): Uncertain significance (1 of 4 stars; one submission).

Allele frequency attached by ClinVar (database versions not stated): gnomAD exomes below 0.00001.
gnomAD v4.1: 1 of 1,613,230 alleles (0.000062%); highest among the groups gnomAD compares: Non-Finnish European, 0.000085%; no homozygotes.

Submission:

Labcorp Genetics (formerly Invitae), Labcorp
Classification: Uncertain significance. Last evaluated: 2023-07-17. Review status: criteria provided, single submitter. Criteria: Invitae Variant Classification Sherloc (09022015). Collection method: clinical testing. Allele origin: germline.
Comment: In summary, the available evidence is currently insufficient to determine the role of this variant in disease. Therefore, it has been classified as a Variant of Uncertain Significance. Advanced modeling of protein sequence and biophysical properties (such as structural, functional, and spatial information, amino acid conservation, physicochemical variation, residue mobility, and thermodynamic stability) performed at Invitae indicates that this missense variant is not expected to disrupt ATF6 protein function. ClinVar contains an entry for this variant (Variation ID: 1063127). This variant has not been reported in the literature in individuals affected with ATF6-related conditions. This variant is not present in population databases (gnomAD no frequency). This sequence change replaces valine, which is neutral and non-polar, with leucine, which is neutral and non-polar, at codon 378 of the ATF6 protein (p.Val378Leu).

NM_007348.4(ATF6):c.1132G>C (p.Val378Leu)

Gene: ATF6 (activating transcription factor 6; plus strand). Cytogenetic location: 1q23.3.
Variant type: single nucleotide variant.
Coding change: c.1132G>C on transcript NM_007348.4 (MANE Select); coding-DNA position 1132, G replaced by C.
Protein change: p.Val378Leu; replaces valine 378 with leucine.
Molecular consequence: missense variant.
Genome position (GRCh38, 1-based): chr1:161,821,106, G>C. VCF-style: chr1-161821106-G-C. GRCh37 (hg19) VCF-style: chr1-161790896-G-C.
Other names: short protein forms V378L.
Identifiers: ClinVar variation 1063127 (VCV001063127.5), dbSNP rs2101785667, ClinGen allele CA343374244.